The following is an entry in ClinVar:

NM_152618.3(BBS12):c.1463_1464del (p.Ile488fs)

Gene: BBS12 (Bardet-Biedl syndrome 12; plus strand). Cytogenetic location: 4q27.
Variant type: Deletion.
Coding change: c.1463_1464del on transcript NM_152618.3 (MANE Select); coding-DNA positions 1463 to 1464, 2 bases deleted (TC; older notation c.1463_1464delTC).
Protein change: p.Ile488fs; shifts the reading frame from isoleucine 488.
Molecular consequence: frameshift variant.
Genome position (GRCh38, 1-based): chr4:122,743,355-122,743,356, TC deleted. VCF-style (leftmost placement, unchanged base first): chr4-122743354-ATC-A. GRCh37 (hg19) VCF-style: chr4-123664509-ATC-A.
Other names: c.1463_1464del, p.Ile488fs (NM_001178007.2); short protein forms I488fs.
Identifiers: ClinVar variation 1456901 (VCV001456901.8), dbSNP rs2150737344, ClinGen allele CA2573138030.

ClinVar aggregate classification (germline): Pathogenic (1 of 4 stars; one submission).

Conditions:
Bardet-Biedl syndrome (BBS). Identifiers: Orphanet 110, MedGen C0752166, MONDO:0015229.

Submission:

Labcorp Genetics (formerly Invitae), Labcorp
Classification: Pathogenic for Bardet-Biedl syndrome. Last evaluated: 2021-03-02. Review status: criteria provided, single submitter. Criteria: Invitae Variant Classification Sherloc (09022015). Collection method: clinical testing. Allele origin: germline.
Comment: This variant disrupts the C-terminus of the BBS12 protein. Other variant(s) that disrupt this region (p.Asp687Valfs*3) have been determined to be pathogenic (Invitae). This suggests that variants that disrupt this region of the protein are likely to be causative of disease. This sequence change creates a premature translational stop signal (p.Ile488Serfs*10) in the BBS12 gene. While this is not anticipated to result in nonsense mediated decay, it is expected to disrupt the last 223 amino acid(s) of the BBS12 protein. This variant is not present in population databases (ExAC no frequency). This variant has not been reported in the literature in individuals with BBS12-related conditions. For these reasons, this variant has been classified as Pathogenic.